The following is an entry in ClinVar:

NM_001164508.2(NEB):c.11930G>A (p.Trp3977Ter)

Gene: NEB (nebulin; minus strand). Cytogenetic location: 2q23.3.
Variant type: single nucleotide variant.
Coding change: c.11930G>A on transcript NM_001164508.2 (MANE Select); coding-DNA position 11930, G replaced by A.
Protein change: p.Trp3977Ter; replaces tryptophan 3977 with a stop codon.
Molecular consequence: nonsense.
Genome position (GRCh38, 1-based): chr2:151,610,604, C>T on the plus strand (G>A on the coding strand, the complement: NEB is on the minus strand). VCF-style: chr2-151610604-C-T. GRCh37 (hg19) VCF-style: chr2-152467118-C-T.
Other names: NM_001164508.2:c.11930G>A; c.11930G>A, p.Trp3977Ter (NM_001164507.2, NM_001271208.2); c.11201G>A, p.Trp3734Ter (NM_004543.5); short protein forms W3734*, W3977*.
Identifiers: ClinVar variation 3776976 (VCV003776976.1).
Genomic context (GRCh38, chr2:151,610,604, plus strand): 5'-GCACTTTTGATGGAAATAGCATCTGCTCTCAGATCATAGTCCTTCATCTTTGATTCATCC[C>T]ATCCCTTGGTGTAAAGTTTCTAGGGAAGGGATAATAGACGACAGAAAATAAGAGTGTTTG-3'

ClinVar aggregate classification (germline): Likely pathogenic (1 of 4 stars; one submission).

Conditions:
Nemaline myopathy. Also called: Myopathies, Nemaline. Identifiers: Orphanet 607, MedGen C0206157, MONDO:0018958.

gnomAD v4.1: 1 of 1,613,382 alleles (0.000062%); highest among the groups gnomAD compares: African/African-American, 0.0013%; no homozygotes.

Submission:

Broad Center for Mendelian Genomics, Broad Institute of MIT and Harvard
Classification: Likely pathogenic for Nemaline myopathy. Last evaluated: 2025-03-12. Review status: criteria provided, single submitter. Criteria: ACMG Guidelines, 2015. Collection method: curation. Allele origin: germline. Inheritance: Autosomal recessive inheritance.
Comment: The p.Trp3977Ter variant in NEB has been reported in one individual with nemaline myopathy (PMID: 29246625) and has been identified in 0.001% (1/74910) of African/African American chromosomes by the Genome Aggregation Database (gnomAD; dbSNP ID: rs1389494765).Although this variant has been seen in the general population in a heterozygous state, its frequency is low enough to be consistent with a recessive carrier frequency. This nonsense variant leads to a premature termination codon at position 3977, which is predicted to lead to a truncated or absent protein. Loss of function of the NEB gene is an established disease mechanism in autosomal recessive nemaline myopathy. In summary, although additional studies are required to fully establish its clinical significance, this variant is likely pathogenic for autosomal recessive nemaline myopathy. ACMG/AMP Criteria applied: PVS1, PM2_supporting (Richards 2015).